The following is an entry in ClinVar:

NM_000135.4(FANCA):c.3807G>C (p.Leu1269=)

Genes: FANCA (FA complementation group A; minus strand), ZNF276 (zinc finger protein 276; plus strand). Cytogenetic location: 16q24.3.
Variant type: single nucleotide variant.
Coding change: c.3807G>C on transcript NM_000135.4 (MANE Select); coding-DNA position 3807, G replaced by C.
Protein change: p.Leu1269=; no amino-acid change (leucine 1269 retained).
Molecular consequence: synonymous variant. On other transcripts: 3 prime UTR variant (2), non-coding transcript variant (4).
Genome position (GRCh38, 1-based): chr16:89,740,825, C>G on the plus strand (G>C on the coding strand, the complement: FANCA is on the minus strand). VCF-style: chr16-89740825-C-G. GRCh37 (hg19) VCF-style: chr16-89807233-C-G.
Other names: p.Leu1269=; c.3807G>C, p.Leu1269= (NM_001286167.3); c.*2579C>G (NM_001113525.2, NM_152287.4).
Identifiers: ClinVar variation 255263 (VCV000255263.36), dbSNP rs11649210, ClinGen allele CA8250958.

ClinVar aggregate classification (germline): Benign/Likely benign. Review status: criteria provided, multiple submitters, no conflicts (2 of 4 stars). 12 submissions from 12 submitters: Benign (10); Likely benign (1). 1 of the submissions does not count toward it. Last evaluated 2026-06-26.

Conditions:
Fanconi anemia (FA). Also called: Fanconi's anemia. Identifiers: Orphanet 84, MedGen C0015625, MeSH D005199, MONDO:0019391.
Fanconi anemia complementation group A (FANCA). Also called: Fanconi anemia, group A; FANCA-Related Fanconi Anemia. Identifiers: Orphanet 84, MedGen C3469521, MONDO:0009215, OMIM 227650.

Allele frequency attached by ClinVar (database versions not stated): gnomAD exomes 0.09306; TOPMed 0.10518; ESP Exome Variant Server 0.10796; gnomAD 0.11105; 1000 Genomes Project 30x 0.13445; 1000 Genomes Project 0.13798.
gnomAD v4.1: 153,946 of 1,612,704 alleles (9.5%); highest among the groups gnomAD compares: East Asian, 17%; 8,122 homozygotes.

Submissions (12):

Women's Health and Genetics/Laboratory Corporation of America, LabCorp
Classification: Benign. Last evaluated: 2026-06-26. Review status: criteria provided, single submitter. Criteria: LabCorp Variant Classification Summary - May 2015. Collection method: clinical testing. Allele origin: germline.

Labcorp Genetics (formerly Invitae), Labcorp
Classification: Benign for Fanconi anemia. Last evaluated: 2026-02-04. Review status: criteria provided, single submitter. Criteria: Invitae Variant Classification Sherloc (09022015). Collection method: clinical testing. Allele origin: germline.

ARUP Laboratories, Molecular Genetics and Genomics, ARUP Laboratories
Classification: Benign for Fanconi anemia complementation group A. Last evaluated: 2025-07-28. Review status: criteria provided, single submitter. Criteria: ARUP Molecular Germline Variant Investigation Process 2024. Collection method: clinical testing. Allele origin: germline.

GeneKor MSA
Classification: Benign for Fanconi anemia complementation group A. Last evaluated: 2025-07-10. Review status: criteria provided, single submitter. Criteria: ACMG Guidelines, 2015. Collection method: clinical testing. Allele origin: germline.

Blueprint Genetics
Classification: Likely benign. Last evaluated: 2024-11-27. Review status: criteria provided, single submitter. Criteria: ACMG Guidelines, 2015. Collection method: clinical testing. Allele origin: germline.

Mayo Clinic Laboratories, Mayo Clinic
Classification: Benign. Last evaluated: 2022-09-06. Review status: criteria provided, single submitter. Criteria: ACMG Guidelines, 2015. Collection method: clinical testing. Allele origin: germline. Observed: 279 variant alleles.

Genome-Nilou Lab
Classification: Benign for Fanconi anemia complementation group A. Last evaluated: 2021-07-08. Review status: criteria provided, single submitter. Criteria: ACMG Guidelines, 2015. Collection method: clinical testing. Allele origin: germline. Affected: no.

GeneDx
Classification: Benign. Last evaluated: 2019-02-02. Review status: criteria provided, single submitter. Criteria: GeneDx Variant Classification Process June 2021. Collection method: clinical testing. Allele origin: germline. Affected: yes.

Illumina Laboratory Services, Illumina
Classification: Benign for Fanconi anemia complementation group A. Last evaluated: 2018-01-12. Review status: criteria provided, single submitter. Criteria: ICSL Variant Classification Criteria 13 December 2019. Collection method: clinical testing. Allele origin: germline.
Comment: This variant was observed in the ICSL laboratory as part of a predisposition screen in an ostensibly healthy population. It had not been previously curated by ICSL or reported in the Human Gene Mutation Database (HGMD: prior to June 1st, 2018), and was therefore a candidate for classification through an automated scoring system. Utilizing variant allele frequency, disease prevalence and penetrance estimates, and inheritance mode, an automated score was calculated to assess if this variant is too frequent to cause the disease. Based on the score and internal cut-off values, a variant classified as benign is not then subjected to further curation. The score for this variant resulted in a classification of benign for this disease.

Breakthrough Genomics
Classification: Benign. Review status: criteria provided, single submitter. Criteria: ACMG Guidelines, 2015. Collection method: not provided. Allele origin: germline. Inheritance: Autosomal recessive inheritance. Affected: yes.

PreventionGenetics, part of Exact Sciences
Classification: Benign. Review status: criteria provided, single submitter. Criteria: ACMG Guidelines, 2015. Collection method: clinical testing. Allele origin: germline.

Natera, Inc.
Classification: Benign for Fanconi anemia, group A. Last evaluated: 2020-09-16. Review status: no assertion criteria provided. Collection method: clinical testing. Allele origin: germline. Not counted in ClinVar's aggregate classification.